The following is an entry in ClinVar:

NM_177972.3(TUB):c.1057G>T (p.Ala353Ser)

Genes: RIC3 (RIC3 acetylcholine receptor chaperone; minus strand), TUB (TUB bipartite transcription factor; plus strand). Cytogenetic location: 11p15.4.
Variant type: single nucleotide variant.
Coding change: c.1057G>T on transcript NM_177972.3 (MANE Select); coding-DNA position 1057, G replaced by T.
Protein change: p.Ala353Ser; replaces alanine 353 with serine.
Molecular consequence: missense variant.
Genome position (GRCh38, 1-based): chr11:8,098,816, G>T. VCF-style: chr11-8098816-G-T. GRCh37 (hg19) VCF-style: chr11-8120363-G-T.
Other names: c.1222G>T, p.Ala408Ser (NM_003320.5); short protein forms A353S, A408S.
Identifiers: ClinVar variation 1501946 (VCV001501946.6), dbSNP rs762660510, ClinGen allele CA5871321.

ClinVar aggregate classification (germline): Uncertain significance (1 of 4 stars; one submission).

Allele frequency attached by ClinVar (database versions not stated): gnomAD exomes 0.00001; ExAC 0.00002.
gnomAD v4.1: 2 of 1,614,178 alleles (0.00012%); highest among the groups gnomAD compares: Admixed American, 0.0033%; no homozygotes.

Submission:

Labcorp Genetics (formerly Invitae), Labcorp
Classification: Uncertain significance. Last evaluated: 2022-03-09. Review status: criteria provided, single submitter. Criteria: Invitae Variant Classification Sherloc (09022015). Collection method: clinical testing. Allele origin: germline.
Comment: In summary, the available evidence is currently insufficient to determine the role of this variant in disease. Therefore, it has been classified as a Variant of Uncertain Significance. Algorithms developed to predict the effect of missense changes on protein structure and function (SIFT, PolyPhen-2, Align-GVGD) all suggest that this variant is likely to be tolerated. This variant has not been reported in the literature in individuals affected with TUB-related conditions. This variant is present in population databases (rs762660510, gnomAD 0.006%). This sequence change replaces alanine, which is neutral and non-polar, with serine, which is neutral and polar, at codon 408 of the TUB protein (p.Ala408Ser).